The following is an entry in ClinVar:

NM_003823.4(TNFRSF6B):c.808G>C (p.Gly270Arg)

Genes: RTEL1-TNFRSF6B (RTEL1-TNFRSF6B readthrough (NMD candidate); plus strand), TNFRSF6B (TNF receptor superfamily member 6b; plus strand). Cytogenetic location: 20q13.33.
Variant type: single nucleotide variant.
Coding change: c.808G>C on transcript NM_003823.4 (MANE Select); coding-DNA position 808, G replaced by C.
Protein change: p.Gly270Arg; replaces glycine 270 with arginine.
Molecular consequence: missense variant. On other transcripts: non-coding transcript variant (1).
Genome position (GRCh38, 1-based): chr20:63,698,468, G>C. VCF-style: chr20-63698468-G-C. GRCh37 (hg19) VCF-style: chr20-62329821-G-C.
Other names: short protein forms G270R.
Identifiers: ClinVar variation 4997739 (VCV004997739.1).

ClinVar aggregate classification (germline): Uncertain significance (1 of 4 stars; one submission).

Conditions:
TNFRSF6B-related disorder. Also called: TNFRSF6B-related condition.

Submission:

PreventionGenetics, part of Exact Sciences
Classification: Uncertain significance for TNFRSF6B-related condition. Last evaluated: 2025-09-23. Review status: criteria provided, single submitter. Criteria: ACMG Guidelines, 2015. Collection method: clinical testing. Allele origin: germline.
Comment: The TNFRSF6B c.808G>C variant is predicted to result in the amino acid substitution p.Gly270Arg. To our knowledge, this variant has not been reported in the literature or in a large population database (gnomAD), indicating this variant is rare. At this time, the clinical significance of this variant is uncertain due to the absence of conclusive functional and genetic evidence.